The following is an entry in ClinVar:

ClinVar aggregate classification (germline): Pathogenic/Likely pathogenic. Review status: criteria provided, multiple submitters, no conflicts (2 of 4 stars). 3 submissions from 3 submitters: Pathogenic (1); Likely pathogenic (2). Last evaluated 2026-04-28.

Conditions:
Multiple endocrine neoplasia type 4. Also called: MULTIPLE ENDOCRINE NEOPLASIA, TYPE IV. Identifiers: Orphanet 276152, MedGen C1970712, MONDO:0012552, OMIM 610755.
Hereditary cancer-predisposing syndrome. Also called: Hereditary Cancer Syndrome; Hereditary neoplastic syndrome; Tumor predisposition; Neoplastic Syndromes, Hereditary. Identifiers: Orphanet 140162, MedGen C0027672, MeSH D009386, MONDO:0015356.

Submissions (3):

Ambry Genetics
Classification: Likely pathogenic for Hereditary cancer-predisposing syndrome. Last evaluated: 2026-04-28. Review status: criteria provided, single submitter. Criteria: Ambry Variant Classification Scheme 2023. Collection method: clinical testing. Allele origin: germline.
Comment: The c.21dupT variant, located in coding exon 1 of the CDKN1B gene, results from a duplication of T at nucleotide position 21, causing a translational frameshift with a predicted alternate stop codon (p.N8*). This variant is considered to be rare based on population cohorts in the Genome Aggregation Database (gnomAD). This alteration is expected to result in loss of function by premature protein truncation or nonsense-mediated mRNA decay. As such, this alteration is interpreted as a disease-causing mutation.

Labcorp Genetics (formerly Invitae), Labcorp
Classification: Pathogenic for Multiple endocrine neoplasia type 4. Last evaluated: 2025-10-30. Review status: criteria provided, single submitter. Criteria: Invitae Variant Classification Sherloc (09022015). Collection method: clinical testing. Allele origin: germline.
Comment: This sequence change creates a premature translational stop signal (p.Asn8*) in the CDKN1B gene. It is expected to result in an absent or disrupted protein product. Loss-of-function variants in CDKN1B are known to be pathogenic (PMID: 17030811, 24819502). This variant is not present in population databases (gnomAD no frequency). This variant has not been reported in the literature in individuals affected with CDKN1B-related conditions. ClinVar contains an entry for this variant (Variation ID: 1421490). For these reasons, this variant has been classified as Pathogenic.

Juno Genomics, Hangzhou Juno Genomics, Inc
Classification: Likely pathogenic for Multiple endocrine neoplasia type 4. Review status: criteria provided, single submitter. Criteria: ACMG Guidelines, 2015. Collection method: clinical testing. Allele origin: germline.
Comment: Absent from controls (or at extremely low frequency if recessive) in Genome Aggregation Database.;Null variant in a gene where loss of function (LOF) is a known mechanism of disease.

Literature cited by the submitters: PubMed 17030811 (cited by Labcorp Genetics (formerly Invitae), Labcorp); PubMed 24819502 (cited by Labcorp Genetics (formerly Invitae), Labcorp).

NM_004064.5(CDKN1B):c.21dup (p.Asn8Ter)

Gene: CDKN1B (cyclin dependent kinase inhibitor 1B; plus strand). Cytogenetic location: 12p13.1.
Variant type: Duplication.
Coding change: c.21dup on transcript NM_004064.5 (MANE Select); coding-DNA position 21, one base duplicated (T; older notation c.21dupT).
Protein change: p.Asn8Ter; replaces asparagine 8 with a stop codon.
Molecular consequence: nonsense.
Genome position (GRCh38, 1-based): chr12:12,717,860, T duplicated. VCF-style (leftmost placement, unchanged base first): chr12-12717859-C-CT. GRCh37 (hg19) VCF-style: chr12-12870793-C-CT.
Other names: short protein forms N8*.
Identifiers: ClinVar variation 1421490 (VCV001421490.11), dbSNP rs2136355372, ClinGen allele CA2573147857.